The following is an entry in ClinVar:

ClinVar aggregate classification (germline): Uncertain significance (1 of 4 stars; one submission).

Conditions:
Malignant hyperthermia, susceptibility to, 1 (MHS1). Also called: Anesthesia related hyperthermia; Malignant hyperpyrexia; Fulminating hyperpyrexia; Pharmacogenic myopathy; Malignant hyperthermia suceptibility 1; RYR1-Related Malignant Hyperthermia Susceptibility. Identifiers: Orphanet 423, MedGen C2930980, MONDO:0007783, OMIM 145600.

Submission:

All of Us Research Program, National Institutes of Health
Classification: Uncertain significance for Malignant hyperthermia, susceptibility to, 1. Last evaluated: 2024-02-22. Review status: criteria provided, single submitter. Criteria: ACMG Guidelines, 2015. Collection method: clinical testing. Allele origin: germline. Inheritance: Autosomal dominant inheritance. Observed: 1 variant allele, 1 heterozygote.
Comment: This missense variant replaces glutamine with glutamic acid at codon 4245 of the RYR1 protein. Computational prediction is inconclusive regarding the impact of this variant on protein structure and function (internally defined REVEL score threshold 0.5 < inconclusive < 0.7, PMID: 27666373). To our knowledge, functional studies have not been reported for this variant. This variant has not been reported in individuals affected with RYR1-related disorders in the literature. This variant has not been identified in the general population by the Genome Aggregation Database (gnomAD). The available evidence is insufficient to determine the role of this variant in disease conclusively. Therefore, this variant is classified as a Variant of Uncertain Significance.

This study involves interpretation of variants in research participants for the purpose of population health screening. Participant phenotype was not available at the time of variant classification. Additional details can be found in publication PMID: 35346344, PMCID: PMC8962531

NM_000540.3(RYR1):c.12733C>G (p.Gln4245Glu)

Gene: RYR1 (ryanodine receptor 1; plus strand). Cytogenetic location: 19q13.2.
Variant type: single nucleotide variant.
Coding change: c.12733C>G on transcript NM_000540.3 (MANE Select); coding-DNA position 12733, C replaced by G.
Protein change: p.Gln4245Glu; replaces glutamine 4245 with glutamic acid.
Molecular consequence: missense variant.
Genome position (GRCh38, 1-based): chr19:38,565,067, C>G. VCF-style: chr19-38565067-C-G. GRCh37 (hg19) VCF-style: chr19-39055707-C-G.
Other names: c.12718C>G, p.Gln4240Glu (NM_001042723.2); short protein forms Q4240E, Q4245E.
Identifiers: ClinVar variation 3385590 (VCV003385590.1).
Genomic context (GRCh38, chr19:38,565,067, plus strand): 5'-GGCGAGGCTGAGAAGATGGAGCTCTTCGTGAGTTTCTGCGAGGACACCATCTTCGAGATG[C>G]AGATCGCCGCGCAGATCTCGGAGCCCGAGGGCGAGCCGGAGACCGACGAGGACGAGGGCG-3'
Protein context (NP_000531.2, residues 4235-4255): SFCEDTIFEM[Gln4245Glu]IAAQISEPEG